The following is an entry in ClinVar:

NM_001002294.3(FMO3):c.778A>G (p.Met260Val)

Gene: FMO3 (flavin containing dimethylaniline monoxygenase 3; plus strand). Cytogenetic location: 1q24.3.
Variant type: single nucleotide variant.
Coding change: c.778A>G on transcript NM_001002294.3 (MANE Select); coding-DNA position 778, A replaced by G.
Protein change: p.Met260Val; replaces methionine 260 with valine.
Molecular consequence: missense variant.
Genome position (GRCh38, 1-based): chr1:171,110,948, A>G. VCF-style: chr1-171110948-A-G. GRCh37 (hg19) VCF-style: chr1-171080089-A-G.
Other names: c.718A>G, p.Met240Val (NM_001319173.2); c.589A>G, p.Met197Val (NM_001319174.2); c.778A>G, p.Met260Val (NM_006894.6); short protein forms M197V, M240V, M260V.
Identifiers: ClinVar variation 2734031 (VCV002734031.4), dbSNP rs1201544644, ClinGen allele CA343186581.

ClinVar aggregate classification (germline): Pathogenic/Likely pathogenic. Review status: criteria provided, multiple submitters, no conflicts (2 of 4 stars). 2 submissions from 2 submitters: Pathogenic (1); Likely pathogenic (1). Last evaluated 2026-01-11.

Conditions:
Trimethylaminuria (TMAU). Also called: Fish malodor syndrome; Stale fish syndrome; TMAuria; FISH-ODOR SYNDROME; Primary Trimethylaminuria. Identifiers: MedGen C0342739, MONDO:0011182, OMIM 602079, HP:0003614. Disease mechanism: loss of function.

Allele frequency attached by ClinVar (database versions not stated): gnomAD exomes 0.00001; gnomAD 0.00001; TOPMed below 0.00001.
gnomAD v4.1: 9 of 1,613,890 alleles (0.00056%); highest among the groups gnomAD compares: East Asian, 0.02%; no homozygotes.

Submissions (2):

3billion
Classification: Likely pathogenic for Trimethylaminuria. Last evaluated: 2026-01-11. Review status: criteria provided, single submitter. Criteria: ACMG Guidelines, 2015. Collection method: clinical testing. Allele origin: germline. Affected: yes.
Comment: The variant is observed at an extremely low frequency in the gnomAD v4.1.0 dataset (total allele frequency: <0.001%). Predicted Consequence/Location: Missense variant In silico tools predict the variant to alter splicing and produce an abnormal transcript [SpliceAI: 0.97 (>=0.2, moderate evidence for spliceogenicity)]. The same nucleotide change resulting in the same amino acid change has been previously reported to be associated with FMO3-related disorder (ClinVar ID: VCV002734031). The variant has been reported to be in trans with a pathogenic variant as either compound heterozygous or homozygous in at least one similarly affected unrelated individual (PMID: 31401033). A different missense change at the same codon (p.Met260Lys) has been reported to be associated with FMO3-related disorder (PMID: 36889044). Therefore, this variant is classified as Likely pathogenic according to the recommendation of ACMG/AMP guideline.

Labcorp Genetics (formerly Invitae), Labcorp
Classification: Pathogenic. Last evaluated: 2023-01-24. Review status: criteria provided, single submitter. Criteria: Invitae Variant Classification Sherloc (09022015). Collection method: clinical testing. Allele origin: germline.
Comment: This missense change has been observed in individual(s) with trimethylaminuria (PMID: 16858129, 30351217, 31401033). In at least one individual the data is consistent with being in trans (on the opposite chromosome) from a pathogenic variant. Advanced modeling of protein sequence and biophysical properties (such as structural, functional, and spatial information, amino acid conservation, physicochemical variation, residue mobility, and thermodynamic stability) has been performed at Invitae for this missense variant, however the output from this modeling did not meet the statistical confidence thresholds required to predict the impact of this variant on FMO3 protein function. Experimental studies are conflicting or provide insufficient evidence to determine the effect of this variant on FMO3 function (PMID: 17142560). For these reasons, this variant has been classified as Pathogenic. This variant is present in population databases (no rsID available, gnomAD 0.02%). This sequence change replaces methionine, which is neutral and non-polar, with valine, which is neutral and non-polar, at codon 260 of the FMO3 protein (p.Met260Val).

Literature cited by the submitters: PubMed 31401033 (cited by 3billion and Labcorp Genetics (formerly Invitae), Labcorp); PubMed 36889044 (cited by 3billion); PubMed 16858129 (cited by Labcorp Genetics (formerly Invitae), Labcorp); PubMed 30351217 (cited by Labcorp Genetics (formerly Invitae), Labcorp); PubMed 17142560 (cited by Labcorp Genetics (formerly Invitae), Labcorp).